The following is an entry in ClinVar:

ClinVar aggregate classification (germline): Conflicting classifications of pathogenicity. Review status: criteria provided, conflicting classifications (1 of 4 stars). 4 submissions from 4 submitters: Uncertain significance (2); Likely benign (1). 1 of the submissions does not count toward it. Last evaluated 2025-11-06.

Allele frequency attached by ClinVar (database versions not stated): gnomAD exomes 0.00010 and 0.00019; ExAC 0.00025; gnomAD 0.00057; 1000 Genomes Project 30x 0.00078; 1000 Genomes Project 0.00100; ESP Exome Variant Server 0.00054; TOPMed 0.00072.
gnomAD v4.1: 236 of 1,610,148 alleles (0.015%); highest among the groups gnomAD compares: African/African-American, 0.17%; no homozygotes.

Submissions (4):

Labcorp Genetics (formerly Invitae), Labcorp
Classification: Likely benign. Last evaluated: 2025-11-06. Review status: criteria provided, single submitter. Criteria: Invitae Variant Classification Sherloc (09022015). Collection method: clinical testing. Allele origin: germline.

Revvity Omics, Revvity
Classification: Uncertain significance. Last evaluated: 2023-10-20. Review status: criteria provided, single submitter. Criteria: ACMG Guidelines, 2015. Collection method: clinical testing. Allele origin: germline.

Mayo Clinic Laboratories, Mayo Clinic
Classification: Uncertain significance. Last evaluated: 2022-12-21. Review status: criteria provided, single submitter. Criteria: ACMG Guidelines, 2015. Collection method: clinical testing. Allele origin: germline. Observed: 1 variant allele.
Comment: BP4

Department of Pathology and Laboratory Medicine, Sinai Health System
Classification: Uncertain significance. Review status: no assertion criteria provided. Collection method: clinical testing. Allele origin: unknown. Affected: yes. Study: The Canadian Open Genetics Repository (COGR). Not counted in ClinVar's aggregate classification.
Comment: The SPTB p.Glu811Lys variant was not identified in the literature nor was it identified in ClinVar, Cosmic or LOVD 3.0. The variant was identified in dbSNP (ID: rs140584449) and in control databases in 64 of 279416 chromosomes at a frequency of 0.000229 (Genome Aggregation Database Feb 27, 2017). The variant was observed in the following populations: African in 40 of 24920 chromosomes (freq: 0.001605), Other in 3 of 7190 chromosomes (freq: 0.000417), Latino in 10 of 35418 chromosomes (freq: 0.000282), South Asian in 3 of 30594 chromosomes (freq: 0.000098), European (non-Finnish) in 7 of 128940 chromosomes (freq: 0.000054) and East Asian in 1 of 19906 chromosomes (freq: 0.00005); it was not observed in the Ashkenazi Jewish or European (Finnish) populations. The p.Glu811 residue is not conserved in mammals and computational analyses (PolyPhen-2, SIFT, AlignGVGD, BLOSUM, MutationTaster) do not suggest a high likelihood of impact to the protein; however, this information is not predictive enough to rule out pathogenicity. The variant occurs outside of the splicing consensus sequence and in silico or computational prediction software programs (SpliceSiteFinder, MaxEntScan, NNSPLICE, GeneSplicer) do not predict a difference in splicing. In summary, based on the above information the clinical significance of this variant cannot be determined with certainty at this time. This variant is classified as a variant of uncertain significance.

NM_001355436.2(SPTB):c.2431G>A (p.Glu811Lys)

Gene: SPTB (spectrin beta, erythrocytic; minus strand). Cytogenetic location: 14q23.3.
Variant type: single nucleotide variant.
Coding change: c.2431G>A on transcript NM_001355436.2 (MANE Select); coding-DNA position 2431, G replaced by A.
Protein change: p.Glu811Lys; replaces glutamic acid 811 with lysine.
Molecular consequence: missense variant.
Genome position (GRCh38, 1-based): chr14:64,793,232, C>T on the plus strand (G>A on the coding strand, the complement: SPTB is on the minus strand). VCF-style: chr14-64793232-C-T. GRCh37 (hg19) VCF-style: chr14-65259950-C-T.
Other names: p.Glu811Lys; c.2431G>A (NM_001355436.1); c.2431G>A, p.Glu811Lys (NM_001024858.4, NM_001355437.2); short protein forms E811K.
Identifiers: ClinVar variation 1049949 (VCV001049949.6), dbSNP rs140584449, ClinGen allele CA7230873.